The following is an entry in ClinVar:

ClinVar aggregate classification (germline): Uncertain significance (1 of 4 stars; one submission).

Allele frequency attached by ClinVar (database versions not stated): gnomAD exomes below 0.00001; ExAC 0.00001; gnomAD 0.00001.

Submission:

Labcorp Genetics (formerly Invitae), Labcorp
Classification: Uncertain significance. Last evaluated: 2021-06-16. Review status: criteria provided, single submitter. Criteria: Invitae Variant Classification Sherloc (09022015). Collection method: clinical testing. Allele origin: germline.
Comment: This variant has not been reported in the literature in individuals with SMARCD2-related conditions. In summary, the available evidence is currently insufficient to determine the role of this variant in disease. Therefore, it has been classified as a Variant of Uncertain Significance. Nucleotide substitutions within the consensus splice site are a relatively common cause of aberrant splicing (PMID: 17576681, 9536098). Algorithms developed to predict the effect of sequence changes on RNA splicing suggest that this variant may create or strengthen a splice site, but this prediction has not been confirmed by published transcriptional studies. This variant is present in population databases (rs750471169, ExAC 0.001%). This sequence change falls in intron 11 of the SMARCD2 gene. It does not directly change the encoded amino acid sequence of the SMARCD2 protein. It affects a nucleotide within the consensus splice site of the intron.

Literature cited by the submitters: PubMed 17576681; PubMed 9536098.

NM_001098426.2(SMARCD2):c.1440+3G>A

Gene: SMARCD2 (SWI/SNF related BAF chromatin remodeling complex subunit D2; minus strand). Cytogenetic location: 17q23.3.
Variant type: single nucleotide variant.
Coding change: c.1440+3G>A on transcript NM_001098426.2 (MANE Select); 3 bases into the intron after coding-DNA position 1440, G replaced by A.
Molecular consequence: intron variant.
Genome position (GRCh38, 1-based): chr17:63,833,295, C>T on the plus strand (G>A on the coding strand, the complement: SMARCD2 is on the minus strand). VCF-style: chr17-63833295-C-T. GRCh37 (hg19) VCF-style: chr17-61910655-C-T.
Other names: c.1215+3G>A (NM_001330439.1); c.1296+3G>A (NM_001330440.2).
Identifiers: ClinVar variation 1504137 (VCV001504137.6), dbSNP rs750471169, ClinGen allele CA8706207.